The following is an entry in ClinVar:

NM_001321759.2(CDIN1):c.818T>C (p.Ile273Thr)

Gene: CDIN1 (CDAN1 interacting nuclease 1; plus strand). Cytogenetic location: 15q14.
Variant type: single nucleotide variant.
Coding change: c.818T>C on transcript NM_001321759.2 (MANE Select); coding-DNA position 818, T replaced by C.
Protein change: p.Ile273Thr; replaces isoleucine 273 with threonine.
Molecular consequence: missense variant. On other transcripts: 3 prime UTR variant (1).
Genome position (GRCh38, 1-based): chr15:36,808,425, T>C. VCF-style: chr15-36808425-T-C. GRCh37 (hg19) VCF-style: chr15-37100626-T-C.
Other names: c.818T>C, p.Ile273Thr (NM_001130010.3); c.524T>C, p.Ile175Thr (NM_001290232.2, NM_001321756.2, NM_032499.6); c.449T>C, p.Ile150Thr (NM_001321757.2); c.707T>C, p.Ile236Thr (NM_001321758.2); c.*85T>C (NM_001321760.2); c.836T>C, p.Ile279Thr (NM_001321761.2); short protein forms I150T, I236T, I279T, I175T, I273T.
Identifiers: ClinVar variation 2903344 (VCV002903344.1), dbSNP rs778306019, ClinGen allele CA7469031.

ClinVar aggregate classification (germline): Uncertain significance (1 of 4 stars; one submission).

Allele frequency attached by ClinVar (database versions not stated): ExAC 0.00003; gnomAD 0.00004; TOPMed 0.00005; gnomAD exomes 0.00006.
gnomAD v4.1: 104 of 1,613,378 alleles (0.0064%); highest among the groups gnomAD compares: Admixed American, 0.012%; no homozygotes.

Submission:

Labcorp Genetics (formerly Invitae), Labcorp
Classification: Uncertain significance. Last evaluated: 2023-02-25. Review status: criteria provided, single submitter. Criteria: Invitae Variant Classification Sherloc (09022015). Collection method: clinical testing. Allele origin: germline.
Comment: In summary, the available evidence is currently insufficient to determine the role of this variant in disease. Therefore, it has been classified as a Variant of Uncertain Significance. An algorithm developed to predict the effect of missense changes on protein structure and function (PolyPhen-2) suggests that this variant is likely to be disruptive. This missense change has been observed in individuals with congenital dyserythropoietic anemia (PMID: 33159567). This variant is present in population databases (rs778306019, gnomAD 0.02%). This sequence change replaces isoleucine, which is neutral and non-polar, with threonine, which is neutral and polar, at codon 273 of the C15orf41 protein (p.Ile273Thr).

Literature cited by the submitters: PubMed 33159567.